The following is an entry in ClinVar:

ClinVar aggregate classification (germline): Uncertain significance (1 of 4 stars; one submission).

Submission:

Labcorp Genetics (formerly Invitae), Labcorp
Classification: Uncertain significance. Last evaluated: 2024-04-25. Review status: criteria provided, single submitter. Criteria: Invitae Variant Classification Sherloc (09022015). Collection method: clinical testing. Allele origin: germline.
Comment: This sequence change replaces glutamic acid, which is acidic and polar, with glycine, which is neutral and non-polar, at codon 1910 of the ANK3 protein (p.Glu1910Gly). This variant is not present in population databases (gnomAD no frequency). This variant has not been reported in the literature in individuals affected with ANK3-related conditions. Advanced modeling of protein sequence and biophysical properties (such as structural, functional, and spatial information, amino acid conservation, physicochemical variation, residue mobility, and thermodynamic stability) has been performed at Invitae for this missense variant, however the output from this modeling did not meet the statistical confidence thresholds required to predict the impact of this variant on ANK3 protein function. In summary, the available evidence is currently insufficient to determine the role of this variant in disease. Therefore, it has been classified as a Variant of Uncertain Significance.

NM_020987.5(ANK3):c.5729A>G (p.Glu1910Gly)

Gene: ANK3 (ankyrin 3; minus strand). Cytogenetic location: 10q21.2.
Variant type: single nucleotide variant.
Coding change: c.5729A>G on transcript NM_020987.5 (MANE Select); coding-DNA position 5729, A replaced by G.
Protein change: p.Glu1910Gly; replaces glutamic acid 1910 with glycine.
Molecular consequence: missense variant. On other transcripts: intron variant (4).
Genome position (GRCh38, 1-based): chr10:60,075,152, T>C on the plus strand (A>G on the coding strand, the complement: ANK3 is on the minus strand). VCF-style: chr10-60075152-T-C. GRCh37 (hg19) VCF-style: chr10-61834910-T-C.
Other names: c.4387+5385A>G (NM_001204403.2); c.4408+5385A>G (NM_001204404.2); c.4405+5385A>G (NM_001320874.2); c.1807+5385A>G (NM_001149.4); short protein forms E1910G.
Identifiers: ClinVar variation 3671424 (VCV003671424.2).
Genomic context (GRCh38, chr10:60,075,152, plus strand): 5'-TGGAATGGCTTCTCCTCAGGCACATCTGTCTGTAGTATTGCGGTCATCCGCATTAGGTCC[T>C]CTTTCATTTCAGCTACATCTTTTAGTATCTCCTGACTGGAAGATAAAGAAGATGGTGTAG-3'
Protein context (NP_066267.2, residues 1900-1920): EILKDVAEMK[Glu1910Gly]DLMRMTAILQ